The following is an entry in ClinVar:

NM_000719.7(CACNA1C):c.4726+13G>A

Genes: CACNA1C (calcium voltage-gated channel subunit alpha1 C; plus strand), CACNA1C-AS2 (CACNA1C antisense RNA 2; minus strand). Cytogenetic location: 12p13.33.
Variant type: single nucleotide variant.
Coding change: c.4726+13G>A on transcript NM_000719.7 (MANE Select); 13 bases into the intron after coding-DNA position 4726, G replaced by A.
Molecular consequence: intron variant.
Genome position (GRCh38, 1-based): chr12:2,669,048, G>A. VCF-style: chr12-2669048-G-A. GRCh37 (hg19) VCF-style: chr12-2778214-G-A.
Other names: c.4726+13G>A (NM_001167624.3, NM_001167623.2, NM_001129840.2 and 7 more transcripts); c.4693+13G>A (NM_001167625.2, NM_001129837.2, NM_001129838.2 and 1 more transcripts); c.4870+13G>A (NM_199460.4, NM_001129827.2); c.4786+13G>A (NM_001129832.2); c.4810+13G>A (NM_001129831.2); c.4792+13G>A (NM_001129829.2); c.4687+13G>A (NM_001129839.2); c.4777+13G>A (NM_001129836.2); and 1 more.
Identifiers: ClinVar variation 308157 (VCV000308157.13), dbSNP rs561365937, ClinGen allele CA6389596.

ClinVar aggregate classification (germline): Likely benign. Review status: criteria provided, multiple submitters, no conflicts (2 of 4 stars). 5 submissions from 5 submitters: Likely benign (4). 1 of the submissions does not count toward it. Last evaluated 2026-01-20.

Conditions:
CACNA1C-related disorder. Also called: CACNA1C-related disorders; CACNA1C-related condition. Identifiers: MONDO:0700321, MedGen CN381092.
Long QT syndrome (LQTS). Identifiers: MedGen C0023976, MeSH D008133, MONDO:0002442. Disease mechanism: loss of function. Inheritance: Various modes of inheritance.

Allele frequency attached by ClinVar (database versions not stated): ExAC 0.00008; TOPMed 0.00011.
gnomAD v4.1: 265 of 1,554,830 alleles (0.017%); highest among the groups gnomAD compares: Admixed American, 0.022%; no homozygotes.

Submissions (5):

Labcorp Genetics (formerly Invitae), Labcorp
Classification: Likely benign for Long QT syndrome. Last evaluated: 2026-01-20. Review status: criteria provided, single submitter. Criteria: Invitae Variant Classification Sherloc (09022015). Collection method: clinical testing. Allele origin: germline.

ARUP Laboratories, Molecular Genetics and Genomics, ARUP Laboratories
Classification: Likely benign. Last evaluated: 2023-11-29. Review status: criteria provided, single submitter. Criteria: ARUP Molecular Germline Variant Investigation Process 2024. Collection method: clinical testing. Allele origin: germline.

Blueprint Genetics
Classification: Likely benign. Last evaluated: 2023-11-24. Review status: criteria provided, single submitter. Criteria: ACMG Guidelines, 2015. Collection method: clinical testing. Allele origin: germline.

GeneDx
Classification: Likely benign. Last evaluated: 2017-08-23. Review status: criteria provided, single submitter. Criteria: GeneDx Variant Classification (06012015). Collection method: clinical testing. Allele origin: germline. Affected: yes.
Comment: This variant is considered likely benign or benign based on one or more of the following criteria: it is a conservative change, it occurs at a poorly conserved position in the protein, it is predicted to be benign by multiple in silico algorithms, and/or has population frequency not consistent with disease.

PreventionGenetics, part of Exact Sciences
Classification: Likely benign for CACNA1C-related condition. Last evaluated: 2023-06-30. Review status: no assertion criteria provided. Collection method: clinical testing. Allele origin: germline. Not counted in ClinVar's aggregate classification.
Comment: This variant is classified as likely benign based on ACMG/AMP sequence variant interpretation guidelines (Richards et al. 2015 PMID: 25741868, with internal and published modifications).